The following is an entry in ClinVar:

NM_032108.4(SEMA6B):c.1519T>G (p.Ser507Ala)

Gene: SEMA6B (semaphorin 6B; minus strand). Cytogenetic location: 19p13.3.
Variant type: single nucleotide variant.
Coding change: c.1519T>G on transcript NM_032108.4 (MANE Select); coding-DNA position 1519, T replaced by G.
Protein change: p.Ser507Ala; replaces serine 507 with alanine.
Molecular consequence: missense variant.
Genome position (GRCh38, 1-based): chr19:4,548,109, A>C on the plus strand (T>G on the coding strand, the complement: SEMA6B is on the minus strand). VCF-style: chr19-4548109-A-C. GRCh37 (hg19) VCF-style: chr19-4548121-A-C.
Other names: short protein forms S507A.
Identifiers: ClinVar variation 3777907 (VCV003777907.7).

ClinVar aggregate classification (germline): Likely benign (1 of 4 stars; one submission).

gnomAD v4.1: 202 of 1,591,778 alleles (0.013%); highest among the groups gnomAD compares: Middle Eastern, 0.017%; no homozygotes.

Submission:

CeGaT Center for Human Genetics Tuebingen
Classification: Likely benign. Last evaluated: 2025-03-01. Review status: criteria provided, single submitter. Criteria: CeGaT Center For Human Genetics Tuebingen Variant Classification Criteria Version 2. Collection method: clinical testing. Allele origin: germline. Affected: yes. Observed: 1 variant allele.
Comment: SEMA6B: BS2